The following is an entry in ClinVar:

ClinVar aggregate classification (germline): Uncertain significance. Review status: criteria provided, multiple submitters, no conflicts (2 of 4 stars). 2 submissions from 2 submitters: Uncertain significance (2). Last evaluated 2025-05-04.

Conditions:
Inborn genetic diseases. Identifiers: MedGen C0950123, MeSH D030342.
Factor XII deficiency disease. Also called: Congenital factor XII deficiency; F12 DEFICIENCY; HAF DEFICIENCY; Reduced factor XII activity. Identifiers: Orphanet 330, MedGen C0015526, MONDO:0009315, OMIM 234000, HP:0004841.

Allele frequency attached by ClinVar (database versions not stated): gnomAD 0.00001; TOPMed 0.00001; gnomAD exomes 0.00005; ExAC 0.00015.
gnomAD v4.1: 83 of 1,602,228 alleles (0.0052%); highest among the groups gnomAD compares: South Asian, 0.076%; 1 homozygote.

Submissions (2):

Ambry Genetics
Classification: Uncertain significance for Inborn genetic diseases. Last evaluated: 2025-05-04. Review status: criteria provided, single submitter. Criteria: Ambry Variant Classification Scheme 2023. Collection method: clinical testing. Allele origin: germline.

ISTH-SSC Genomics in Thrombosis and Hemostasis, KU Leuven, Center for Molecular and Vascular Biology
Classification: Uncertain significance for Factor XII deficiency disease. Review status: criteria provided, single submitter. Criteria: ACMG Guidelines, 2015. Collection method: clinical testing. Allele origin: germline. Affected: yes. Observed: 1 heterozygote.
Comment: Submitted to the GoldVariant database by Kathleen Freson, Center for Molecular and Vascular Biology

NM_000505.4(F12):c.1079G>T (p.Gly360Val)

Gene: F12 (coagulation factor XII; minus strand). Cytogenetic location: 5q35.3.
Variant type: single nucleotide variant.
Coding change: c.1079G>T on transcript NM_000505.4 (MANE Select); coding-DNA position 1079, G replaced by T.
Protein change: p.Gly360Val; replaces glycine 360 with valine.
Molecular consequence: missense variant.
Genome position (GRCh38, 1-based): chr5:177,404,030, C>A on the plus strand (G>T on the coding strand, the complement: F12 is on the minus strand). VCF-style: chr5-177404030-C-A. GRCh37 (hg19) VCF-style: chr5-176831031-C-A.
Other names: short protein forms G360V.
Identifiers: ClinVar variation 2463318 (VCV002463318.4), dbSNP rs749889059, ClinGen allele CA3581269.